The following is an entry in ClinVar:

NM_003743.5(NCOA1):c.3293T>G (p.Ile1098Ser)

Gene: NCOA1 (nuclear receptor coactivator 1; plus strand). Cytogenetic location: 2p23.3.
Variant type: single nucleotide variant.
Coding change: c.3293T>G on transcript NM_003743.5 (MANE Select); coding-DNA position 3293, T replaced by G.
Protein change: p.Ile1098Ser; replaces isoleucine 1098 with serine.
Molecular consequence: missense variant.
Genome position (GRCh38, 1-based): chr2:24,739,523, T>G. VCF-style: chr2-24739523-T-G. GRCh37 (hg19) VCF-style: chr2-24962392-T-G.
Other names: c.3293T>G, p.Ile1098Ser (NM_001362950.1, NM_001362952.1, NM_001362954.1 and 3 more transcripts); short protein forms I1098S.
Identifiers: ClinVar variation 4978938 (VCV004978938.1).

ClinVar aggregate classification (germline): Uncertain significance (1 of 4 stars; one submission).

Conditions:
NCOA1-related disorder. Also called: NCOA1-related condition.

gnomAD v4.1: 7 of 1,612,482 alleles (0.00043%); highest among the groups gnomAD compares: Non-Finnish European, 0.00059%; no homozygotes.

Submission:

PreventionGenetics, part of Exact Sciences
Classification: Uncertain significance for NCOA1-related condition. Last evaluated: 2025-04-09. Review status: criteria provided, single submitter. Criteria: ACMG Guidelines, 2015. Collection method: clinical testing. Allele origin: germline.
Comment: The NCOA1 c.3293T>G variant is predicted to result in the amino acid substitution p.Ile1098Ser. To our knowledge, this variant has not been reported in the literature. This variant is reported in 0.0018% of alleles in individuals of European (Non-Finnish) descent in gnomAD. At this time, the clinical significance of this variant is uncertain due to the absence of conclusive functional and genetic evidence.